The following is an entry in ClinVar:

NM_182931.3(KMT2E):c.4874T>C (p.Val1625Ala)

Gene: KMT2E (lysine methyltransferase 2E (inactive); plus strand). Cytogenetic location: 7q22.3.
Variant type: single nucleotide variant.
Coding change: c.4874T>C on transcript NM_182931.3 (MANE Select); coding-DNA position 4874, T replaced by C.
Protein change: p.Val1625Ala; replaces valine 1625 with alanine.
Molecular consequence: missense variant.
Genome position (GRCh38, 1-based): chr7:105,112,630, T>C. VCF-style: chr7-105112630-T-C. GRCh37 (hg19) VCF-style: chr7-104753077-T-C.
Other names: c.4748T>C, p.Val1583Ala (NM_001410908.1); c.4874T>C, p.Val1625Ala (NM_018682.4); short protein forms V1583A, V1625A.
Identifiers: ClinVar variation 2220404 (VCV002220404.5), dbSNP rs771203226, ClinGen allele CA4424845.
Genomic context (GRCh38, chr7:105,112,630, plus strand): 5'-CTCCAGGGCATTTTTTGCCCTCTCAGAACCCTACCATTCACCATCAAACTGCTGCTGCCG[T>C]AGTCCCCCCTCCTCCTCCACCACCACCTGCTCCAGGACCGCACCTTGTACAACAGCCGAA-3'
Protein context (NP_891847.1, residues 1615-1635): PTIHHQTAAA[Val1625Ala]VPPPPPPPPA

ClinVar aggregate classification (germline): Conflicting classifications of pathogenicity. Review status: criteria provided, conflicting classifications (1 of 4 stars). 3 submissions from 3 submitters: Uncertain significance (2); Likely benign (1). Last evaluated 2025-06-02.

Conditions:
Inborn genetic diseases. Identifiers: MedGen C0950123, MeSH D030342.

Allele frequency attached by ClinVar (database versions not stated): ExAC 0.00001; gnomAD exomes 0.00001.
gnomAD v4.1: 6 of 1,613,736 alleles (0.00037%); highest among the groups gnomAD compares: Admixed American, 0.0017%; no homozygotes.

Submissions (3):

Labcorp Genetics (formerly Invitae), Labcorp
Classification: Uncertain significance. Last evaluated: 2025-06-02. Review status: criteria provided, single submitter. Criteria: Invitae Variant Classification Sherloc (09022015). Collection method: clinical testing. Allele origin: germline.
Comment: This sequence change replaces valine, which is neutral and non-polar, with alanine, which is neutral and non-polar, at codon 1625 of the KMT2E protein (p.Val1625Ala). This variant is present in population databases (rs771203226, gnomAD 0.003%). This variant has not been reported in the literature in individuals affected with KMT2E-related conditions. ClinVar contains an entry for this variant (Variation ID: 2220404). An algorithm developed to predict the effect of missense changes on protein structure and function outputs the following: PolyPhen-2: "Benign". The alanine amino acid residue is found in multiple mammalian species, which suggests that this missense change does not adversely affect protein function. In summary, the available evidence is currently insufficient to determine the role of this variant in disease. Therefore, it has been classified as a Variant of Uncertain Significance.

Blueprint Genetics
Classification: Likely benign. Last evaluated: 2021-08-23. Review status: criteria provided, single submitter. Criteria: ACMG Guidelines, 2015. Collection method: clinical testing. Allele origin: germline.

Ambry Genetics
Classification: Uncertain significance for Inborn genetic diseases. Last evaluated: 2021-06-18. Review status: criteria provided, single submitter. Criteria: Ambry Variant Classification Scheme 2023. Collection method: clinical testing. Allele origin: germline.